The following is an entry in ClinVar:

NM_001408.3(CELSR2):c.5933G>A (p.Arg1978Gln)

Gene: CELSR2 (cadherin EGF LAG seven-pass G-type receptor 2; plus strand). Cytogenetic location: 1p13.3.
Variant type: single nucleotide variant.
Coding change: c.5933G>A on transcript NM_001408.3 (MANE Select); coding-DNA position 5933, G replaced by A.
Protein change: p.Arg1978Gln; replaces arginine 1978 with glutamine.
Molecular consequence: missense variant.
Genome position (GRCh38, 1-based): chr1:109,266,126, G>A. VCF-style: chr1-109266126-G-A. GRCh37 (hg19) VCF-style: chr1-109808748-G-A.
Other names: c.5933G>A (NM_001408.2); short protein forms R1978Q.
Identifiers: ClinVar variation 1415849 (VCV001415849.7), dbSNP rs753007677, ClinGen allele CA987701.

ClinVar aggregate classification (germline): Uncertain significance. Review status: criteria provided, multiple submitters, no conflicts (2 of 4 stars). 2 submissions from 2 submitters: Uncertain significance (2). Last evaluated 2023-05-15.

Allele frequency attached by ClinVar (database versions not stated): ExAC 0.00001; gnomAD exomes 0.00001 and 0.00002; TOPMed 0.00001.
gnomAD v4.1: 12 of 1,614,092 alleles (0.00074%); highest among the groups gnomAD compares: Admixed American, 0.012%; no homozygotes.

Submissions (2):

Labcorp Genetics (formerly Invitae), Labcorp
Classification: Uncertain significance. Last evaluated: 2023-05-15. Review status: criteria provided, single submitter. Criteria: Invitae Variant Classification Sherloc (09022015). Collection method: clinical testing. Allele origin: germline.
Comment: This variant is present in population databases (rs753007677, gnomAD 0.01%). This sequence change replaces arginine, which is basic and polar, with glutamine, which is neutral and polar, at codon 1978 of the CELSR2 protein (p.Arg1978Gln). This variant has not been reported in the literature in individuals affected with CELSR2-related conditions. In summary, the available evidence is currently insufficient to determine the role of this variant in disease. Therefore, it has been classified as a Variant of Uncertain Significance. Advanced modeling of protein sequence and biophysical properties (such as structural, functional, and spatial information, amino acid conservation, physicochemical variation, residue mobility, and thermodynamic stability) performed at Invitae indicates that this missense variant is not expected to disrupt CELSR2 protein function. ClinVar contains an entry for this variant (Variation ID: 1415849).

Ambry Genetics
Classification: Uncertain significance. Last evaluated: 2023-02-28. Review status: criteria provided, single submitter. Criteria: Ambry Variant Classification Scheme 2023. Collection method: clinical testing. Allele origin: germline.